The following is an entry in ClinVar:

NM_004655.4(AXIN2):c.2256A>C (p.Lys752Asn)

Gene: AXIN2 (axin 2; minus strand). Cytogenetic location: 17q24.1.
Variant type: single nucleotide variant.
Coding change: c.2256A>C on transcript NM_004655.4 (MANE Select); coding-DNA position 2256, A replaced by C.
Protein change: p.Lys752Asn; replaces lysine 752 with asparagine.
Molecular consequence: missense variant.
Genome position (GRCh38, 1-based): chr17:65,534,061, T>G on the plus strand (A>C on the coding strand, the complement: AXIN2 is on the minus strand). VCF-style: chr17-65534061-T-G. GRCh37 (hg19) VCF-style: chr17-63530179-T-G.
Other names: c.2061A>C, p.Lys687Asn (NM_001363813.1); short protein forms K687N, K752N.
Identifiers: ClinVar variation 3335674 (VCV003335674.1).

ClinVar aggregate classification (germline): Uncertain significance (1 of 4 stars; one submission).

Conditions:
Hereditary cancer-predisposing syndrome. Also called: Neoplastic Syndromes, Hereditary; Tumor predisposition; Hereditary neoplastic syndrome; Hereditary Cancer Syndrome. Identifiers: Orphanet 140162, MedGen C0027672, MeSH D009386, MONDO:0015356.

Submission:

Ambry Genetics
Classification: Uncertain significance for Hereditary cancer-predisposing syndrome. Last evaluated: 2024-04-24. Review status: criteria provided, single submitter. Criteria: Ambry Variant Classification Scheme 2023. Collection method: clinical testing. Allele origin: germline.
Comment: The p.K752N variant (also known as c.2256A>C), located in coding exon 9 of the AXIN2 gene, results from an A to C substitution at nucleotide position 2256. The lysine at codon 752 is replaced by asparagine, an amino acid with similar properties. This amino acid position is conserved. In addition, this alteration is predicted to be tolerated by in silico analysis. Based on the available evidence, the clinical significance of this variant remains unclear.